The following is an entry in ClinVar:

ClinVar aggregate classification (germline): Pathogenic. Review status: criteria provided, multiple submitters, no conflicts (2 of 4 stars). 4 submissions from 4 submitters: Pathogenic (3). 1 of the submissions does not count toward it. Last evaluated 2024-02-15.

Conditions:
Maple syrup urine disease (MSUD). Identifiers: Orphanet 511, MedGen C0024776, MeSH D008375, MONDO:0009563. Disease mechanism: loss of function.
Maple syrup urine disease type 1A (MSUD1A). Also called: MSUD type 1A. Identifiers: MedGen C1855369, MONDO:0023691, OMIM 248600.

Allele frequency attached by ClinVar (database versions not stated): gnomAD exomes below 0.00001; TOPMed below 0.00001; gnomAD 0.00001; ESP Exome Variant Server 0.00008.
gnomAD v4.1: 2 of 1,614,100 alleles (0.00012%); highest among the groups gnomAD compares: African/African-American, 0.0027%; no homozygotes.

Submissions (4):

Labcorp Genetics (formerly Invitae), Labcorp
Classification: Pathogenic for Maple syrup urine disease. Last evaluated: 2024-02-15. Review status: criteria provided, single submitter. Criteria: Invitae Variant Classification Sherloc (09022015). Collection method: clinical testing. Allele origin: germline.
Comment: This sequence change creates a premature translational stop signal (p.Gln43*) in the BCKDHA gene. It is expected to result in an absent or disrupted protein product. Loss-of-function variants in BCKDHA are known to be pathogenic (PMID: 16786533, 22593002). This variant is not present in population databases (gnomAD no frequency). This variant has not been reported in the literature in individuals affected with BCKDHA-related conditions. ClinVar contains an entry for this variant (Variation ID: 550878). For these reasons, this variant has been classified as Pathogenic.

Baylor Genetics
Classification: Pathogenic for Maple syrup urine disease type 1A. Last evaluated: 2022-05-10. Review status: criteria provided, single submitter. Criteria: ACMG Guidelines, 2015. Collection method: clinical testing. Allele origin: unknown.

Genome-Nilou Lab
Classification: Pathogenic for Maple syrup urine disease type 1A. Last evaluated: 2021-11-07. Review status: criteria provided, single submitter. Criteria: ACMG Guidelines, 2015. Collection method: clinical testing. Allele origin: germline. Affected: no.

Counsyl
Classification: Likely pathogenic for Maple syrup urine disease type 1A. Last evaluated: 2017-10-04. Review status: no assertion criteria provided. Collection method: clinical testing. Allele origin: unknown. Not counted in ClinVar's aggregate classification.

Literature cited by the submitters: PubMed 16786533 (cited by Labcorp Genetics (formerly Invitae), Labcorp); PubMed 22593002 (cited by Labcorp Genetics (formerly Invitae), Labcorp).

NM_000709.4(BCKDHA):c.127C>T (p.Gln43Ter)

Gene: BCKDHA (branched chain keto acid dehydrogenase E1 subunit alpha; plus strand). Cytogenetic location: 19q13.2.
Variant type: single nucleotide variant.
Coding change: c.127C>T on transcript NM_000709.4 (MANE Select); coding-DNA position 127, C replaced by T.
Protein change: p.Gln43Ter; replaces glutamine 43 with a stop codon.
Molecular consequence: nonsense.
Genome position (GRCh38, 1-based): chr19:41,410,655, C>T. VCF-style: chr19-41410655-C-T. GRCh37 (hg19) VCF-style: chr19-41916560-C-T.
Other names: c.127C>T (NM_001164783.1); c.127C>T, p.Gln43Ter (NM_001164783.2); short protein forms Q43*.
Identifiers: ClinVar variation 550878 (VCV000550878.12), dbSNP rs374625613, ClinGen allele CA308515228.